The following is an entry in ClinVar:

NM_130811.4(SNAP25):c.469A>G (p.Ile157Val)

Gene: SNAP25 (synaptosome associated protein 25; plus strand). Cytogenetic location: 20p12.2.
Variant type: single nucleotide variant.
Coding change: c.469A>G on transcript NM_130811.4 (MANE Select); coding-DNA position 469, A replaced by G.
Protein change: p.Ile157Val; replaces isoleucine 157 with valine.
Molecular consequence: missense variant.
Genome position (GRCh38, 1-based): chr20:10,299,329, A>G. VCF-style: chr20-10299329-A-G. GRCh37 (hg19) VCF-style: chr20-10279977-A-G.
Other names: c.469A>G, p.Ile157Val (NM_001322909.2, NM_001322910.2, NM_001424415.1 and 9 more transcripts); short protein forms I157V.
Identifiers: ClinVar variation 2699278 (VCV002699278.4), dbSNP rs2514852952, ClinGen allele CA408266586.
Genomic context (GRCh38, chr20:10,299,329, plus strand): 5'-GTAACAAATGATGCCCGAGAAAATGAAATGGATGAAAACCTAGAGCAGGTGAGCGGCATC[A>G]TCGGGAACCTCCGTCACATGGCCCTGGATATGGGCAATGAGATCGATACACAGAATCGCC-3'
Protein context (NP_570824.1, residues 147-167): DENLEQVSGI[Ile157Val]GNLRHMALDM

ClinVar aggregate classification (germline): Uncertain significance. Review status: criteria provided, multiple submitters, no conflicts (2 of 4 stars). 2 submissions from 2 submitters: Uncertain significance (2). Last evaluated 2025-06-26.

Conditions:
Congenital myasthenic syndrome 18. Also called: MYASTHENIC SYNDROME, CONGENITAL, 18, WITH INTELLECTUAL DISABILITY AND ATAXIA. Identifiers: Orphanet 590, MedGen C4225364, MONDO:0014590, OMIM 616330.

Allele frequency attached by ClinVar (database versions not stated): gnomAD exomes below 0.00001.
gnomAD v4.1: 1 of 1,614,172 alleles (0.000062%); highest among the groups gnomAD compares: Middle Eastern, 0.016%; no homozygotes.

Submissions (2):

Women's Health and Genetics/Laboratory Corporation of America, LabCorp
Classification: Uncertain significance. Last evaluated: 2025-06-26. Review status: criteria provided, single submitter. Criteria: LabCorp Variant Classification Summary - May 2015. Collection method: clinical testing. Allele origin: germline.
Comment: Variant summary: SNAP25 c.469A>G (p.Ile157Val) results in a conservative amino acid change in the encoded protein sequence. Algorithms developed to predict the effect of missense changes on protein structure and function are either unavailable or do not agree on the potential impact of this missense change. The variant was absent in 251248 control chromosomes. The available data on variant occurrences in the general population are insufficient to allow any conclusion about variant significance. To our knowledge, no occurrence of c.469A>G in individuals affected with Congenital Myasthenic Syndrome 18 and no experimental evidence demonstrating its impact on protein function have been reported. ClinVar contains an entry for this variant (Variation ID: 2699278). Based on the evidence outlined above, the variant was classified as uncertain significance.

Labcorp Genetics (formerly Invitae), Labcorp
Classification: Uncertain significance for Congenital myasthenic syndrome 18. Last evaluated: 2023-02-11. Review status: criteria provided, single submitter. Criteria: Invitae Variant Classification Sherloc (09022015). Collection method: clinical testing. Allele origin: germline.
Comment: In summary, the available evidence is currently insufficient to determine the role of this variant in disease. Therefore, it has been classified as a Variant of Uncertain Significance. Algorithms developed to predict the effect of missense changes on protein structure and function (SIFT, PolyPhen-2, Align-GVGD) all suggest that this variant is likely to be tolerated. This variant has not been reported in the literature in individuals affected with SNAP25-related conditions. This variant is not present in population databases (gnomAD no frequency). This sequence change replaces isoleucine, which is neutral and non-polar, with valine, which is neutral and non-polar, at codon 157 of the SNAP25 protein (p.Ile157Val).